The following is an entry in ClinVar:

NM_201253.3(CRB1):c.2555T>C (p.Ile852Thr)

Gene: CRB1 (crumbs cell polarity complex component 1; plus strand). Cytogenetic location: 1q31.3.
Variant type: single nucleotide variant.
Coding change: c.2555T>C on transcript NM_201253.3 (MANE Select); coding-DNA position 2555, T replaced by C.
Protein change: p.Ile852Thr; replaces isoleucine 852 with threonine.
Molecular consequence: missense variant. On other transcripts: non-coding transcript variant (2), intron variant (1).
Genome position (GRCh38, 1-based): chr1:197,427,880, T>C. VCF-style: chr1-197427880-T-C. GRCh37 (hg19) VCF-style: chr1-197397010-T-C.
Other names: c.2219T>C, p.Ile740Thr (NM_001193640.2); c.2348T>C, p.Ile783Thr (NM_001257965.2); c.2128+5924T>C (NM_001257966.2); short protein forms I852T, I783T, I740T.
Identifiers: ClinVar variation 99883 (VCV000099883.15), dbSNP rs62636271, ClinGen allele CA228013.

ClinVar aggregate classification (germline): Pathogenic/Likely pathogenic. Review status: criteria provided, multiple submitters, no conflicts (2 of 4 stars). 11 submissions from 11 submitters: Pathogenic (6); Likely pathogenic (2). 3 of the submissions do not count toward it. Last evaluated 2026-03-24.

Conditions:
CRB1-related disorder. Also called: CRB1-related condition; CRB1-related disorders.
Retinal dystrophy. Also called: Inherited retinal dystrophy. Identifiers: Orphanet 71862, MedGen C0854723, MeSH D058499, MONDO:0019118, HP:0000556.
Retinitis pigmentosa 12 (RP12). Also called: RP WITH OR WITHOUT PRESERVED PARAARTERIOLE RETINAL PIGMENT EPITHELIUM; RETINITIS PIGMENTOSA WITH OR WITHOUT PARAARTERIOLAR PRESERVATION OF RETINAL PIGMENT EPITHELIUM; RP WITH OR WITHOUT PPRPE. Identifiers: Orphanet 791, MedGen C1838647, MONDO:0010818, OMIM 600105.
Leber congenital amaurosis 8 (LCA8). Identifiers: Orphanet 65, MedGen C3151202, MONDO:0013453, OMIM 613835.
Leber congenital amaurosis (LCA). Also called: Leber's amaurosis. Identifiers: Orphanet 65, MedGen C0339527, MeSH D057130, MONDO:0018998.

Allele frequency attached by ClinVar (database versions not stated): gnomAD exomes below 0.00001 and 0.00001; gnomAD 0.00001; TOPMed 0.00002.
gnomAD v4.1: 22 of 1,613,892 alleles (0.0014%); highest among the groups gnomAD compares: Non-Finnish European, 0.0019%; no homozygotes.

Submissions (11):

Department of Molecular Genetics, Istishari Arab Hospital
Classification: Pathogenic for Retinitis pigmentosa 12. Last evaluated: 2026-03-24. Review status: criteria provided, single submitter. Criteria: ACMG Guidelines, 2015. Collection method: clinical testing. Allele origin: germline. Inheritance: Autosomal recessive inheritance. Affected: yes.
Comment: The CRB1 variant c.2555T>C, p.Ile852Thr creates an amino acid change from Ile to Thr at position 852. The variant is observed with very low frequency in the gnomAD v4.1.0 dataset (<0.001). This variant has been previously reported in patients with retinal dystrophies (15024725‚ 23449718‚ 26872607‚ 31456290‚ 31964843‚ 34003923‚ 34034222‚ 36460718). It is classified as pathogenic according to the recommendations of ACMG/AMP/ClinGen SVI guidelines.

PreventionGenetics, part of Exact Sciences
Classification: Pathogenic for CRB1-related condition. Last evaluated: 2025-10-16. Review status: criteria provided, single submitter. Criteria: ACMG Guidelines, 2015. Collection method: clinical testing. Allele origin: germline.
Comment: The CRB1 c.2555T>C variant is predicted to result in the amino acid substitution p.Ile852Thr. This variant has been reported in the homozygous and compound heterozygous states in multiple individuals with Leber congenital amaurosis (see for examples: Hanein et al. 2004. PubMed ID: 15024725; Hasan et al. 2016. PubMed ID: 26872607; Table S1, Lin et al. 2024. PubMed ID: 38219857). This variant is present in 0.00088% of alleles in individuals of European (Non-Finnish) descent in gnomAD. Given the evidence, we interpret this variant as pathogenic.

Labcorp Genetics (formerly Invitae), Labcorp
Classification: Pathogenic for Leber congenital amaurosis 8; Retinitis pigmentosa 12. Last evaluated: 2025-06-20. Review status: criteria provided, single submitter. Criteria: Invitae Variant Classification Sherloc (09022015). Collection method: clinical testing. Allele origin: germline.
Comment: This sequence change replaces isoleucine, which is neutral and non-polar, with threonine, which is neutral and polar, at codon 852 of the CRB1 protein (p.Ile852Thr). This variant is present in population databases (rs62636271, gnomAD 0.0009%). This missense change has been observed in individuals with Leber congenital amaurosis (PMID: 15024725, 17724218, 21757580, 26872607). It has also been observed to segregate with disease in related individuals. ClinVar contains an entry for this variant (Variation ID: 99883). Invitae Evidence Modeling of protein sequence and biophysical properties (such as structural, functional, and spatial information, amino acid conservation, physicochemical variation, residue mobility, and thermodynamic stability) indicates that this missense variant is expected to disrupt CRB1 protein function with a positive predictive value of 80%. For these reasons, this variant has been classified as Pathogenic.

3billion
Classification: Pathogenic for Leber congenital amaurosis 8. Last evaluated: 2025-06-12. Review status: criteria provided, single submitter. Criteria: ACMG Guidelines, 2015. Collection method: clinical testing. Allele origin: germline. Affected: yes.
Comment: The variant is observed at an extremely low frequency in the gnomAD v4.1.0 dataset (total allele frequency: 0.001%). Predicted Consequence/Location: Missense variant In silico tool predictions suggest damaging effect of the variant on gene or gene product [REVEL: 0.80 (>=0.6, sensitivity 0.68 and specificity 0.92); 3Cnet: 0.98 (> 0.75, sensitivity 0.96 and precision 0.92)]. The same nucleotide change resulting in the same amino acid change has been previously reported as pathogenic/likely pathogenic with strong evidence (ClinVar ID: VCV000099883 /PMID: 15024725 /3billion dataset). The variant has been reported to be in trans with a pathogenic variant as either compound heterozygous or homozygous in at least 2 similarly affected unrelated individuals (PMID: 17724218, 34034222). Therefore, this variant is classified as Pathogenic according to the recommendation of ACMG/AMP guideline.

Blueprint Genetics
Classification: Pathogenic for CRB1-related disorders. Last evaluated: 2024-10-09. Review status: criteria provided, single submitter. Criteria: ACMG Guidelines, 2015. Collection method: clinical testing. Allele origin: germline. Affected: yes. Observed: 5 variant alleles.

Natera, Inc.
Classification: Likely pathogenic for Leber congenital amaurosis. Last evaluated: 2024-07-05. Review status: criteria provided, single submitter. Criteria: Natera Variant Classification Schema (03/2026). Collection method: clinical testing. Allele origin: germline.
Comment: The c.2555T>C variant in CRB1 is a missense variant predicted to cause substitution of isoleucine to threonine at amino acid 852. This variant is rare in the general population with a frequency below the threshold expected for the associated phenotype(s). This variant has been observed in one or more individuals affected with the associated recessive disease, as either homozygous or compound heterozygous with a second variant (PMID: 37903307, 34034222, 15024725, 26165328, 26872607). Additionally, this variant has been observed to segregate in affected family members (PMID: 26872607). Computational prediction algorithms indicate this variant is likely to affect gene or protein function. Given the available evidence, this variant is classified as Likely Pathogenic.

Baylor Genetics
Classification: Pathogenic for Leber congenital amaurosis 8. Last evaluated: 2023-09-14. Review status: criteria provided, single submitter. Criteria: ACMG Guidelines, 2015. Collection method: clinical testing. Allele origin: unknown.

Institute of Human Genetics, Univ. Regensburg, Univ. Regensburg
Classification: Likely pathogenic for Retinal dystrophy. Last evaluated: 2021-01-01. Review status: criteria provided, single submitter. Criteria: ACMG Guidelines, 2015. Collection method: clinical testing. Allele origin: germline. Affected: yes.

Sharon lab, Hadassah-Hebrew University Medical Center
Classification: Likely pathogenic for leber congenital amaurosis. Last evaluated: 2019-06-23. Review status: no assertion criteria provided. Collection method: research. Allele origin: inherited. Affected: yes. Not counted in ClinVar's aggregate classification.

Laboratory of Genetics in Ophthalmology, Institut Imagine
Classification: Pathogenic for Leber congenital amaurosis 8. Review status: no assertion criteria provided. Collection method: research. Allele origin: inherited. Affected: yes. Observed: 1 variant allele. Not counted in ClinVar's aggregate classification.

Retina International
No classification provided. Review status: no classification provided. Collection method: not provided. Allele origin: not provided. Not counted in ClinVar's aggregate classification.

Literature cited by the submitters: PubMed 15024725 (cited by 6 submitters); PubMed 23449718 (cited by Department of Molecular Genetics, Istishari Arab Hospital and Institute of Human Genetics, Univ. Regensburg, Univ. Regensburg); PubMed 26872607 (cited by 4 submitters); PubMed 31456290 (cited by Department of Molecular Genetics, Istishari Arab Hospital and Institute of Human Genetics, Univ. Regensburg, Univ. Regensburg); PubMed 31964843 (cited by Department of Molecular Genetics, Istishari Arab Hospital and Institute of Human Genetics, Univ. Regensburg, Univ. Regensburg); PubMed 34003923 (cited by Department of Molecular Genetics, Istishari Arab Hospital and Institute of Human Genetics, Univ. Regensburg, Univ. Regensburg); PubMed 34034222 (cited by 4 submitters); PubMed 36460718 (cited by Department of Molecular Genetics, Istishari Arab Hospital and Institute of Human Genetics, Univ. Regensburg, Univ. Regensburg); PubMed 17724218 (cited by Labcorp Genetics (formerly Invitae), Labcorp and 3billion); PubMed 21757580 (cited by Labcorp Genetics (formerly Invitae), Labcorp); PubMed 37903307 (cited by Natera, Inc.); PubMed 26165328 (cited by Natera, Inc.).